The following is an entry in ClinVar:

ClinVar aggregate classification (germline): Uncertain significance (1 of 4 stars; one submission).

Allele frequency attached by ClinVar (database versions not stated): gnomAD exomes below 0.00001.
gnomAD v4.1: 1 of 1,603,666 alleles (0.000062%); highest among the groups gnomAD compares: East Asian, 0.0022%; no homozygotes.

Submission:

Women's Health and Genetics/Laboratory Corporation of America, LabCorp
Classification: Uncertain significance. Last evaluated: 2023-07-05. Review status: criteria provided, single submitter. Criteria: LabCorp Variant Classification Summary - May 2015. Collection method: clinical testing. Allele origin: germline.
Comment: Variant summary: CBL c.2154-8T>C alters a non-conserved nucleotide located close to a canonical splice site and therefore could affect mRNA splicing, leading to a significantly altered protein sequence. Computational tools predict no significant impact on normal splicing. However, these predictions have yet to be confirmed by functional studies. The variant allele was found at a frequency of 4e-06 in 251256 control chromosomes (i.e., 1 heterozygote; gnomAD). The available data on variant occurrences in the general population are insufficient to allow any conclusion about variant significance. To our knowledge, no occurrence of c.2154-8T>C in individuals affected with Noonan Syndrome And Related Conditions and no experimental evidence demonstrating its impact on protein function have been reported. No submitters have reported clinical-significance assessments for this variant to ClinVar after 2014. Based on the evidence outlined above, the variant was classified as uncertain significance.

NM_005188.4(CBL):c.2154-8T>C

Gene: CBL (Cbl proto-oncogene; plus strand). Cytogenetic location: 11q23.3.
Variant type: single nucleotide variant.
Coding change: c.2154-8T>C on transcript NM_005188.4 (MANE Select); 8 bases into the intron before coding-DNA position 2154, T replaced by C.
Molecular consequence: intron variant.
Genome position (GRCh38, 1-based): chr11:119,297,376, T>C. VCF-style: chr11-119297376-T-C. GRCh37 (hg19) VCF-style: chr11-119168086-T-C.
Identifiers: ClinVar variation 2577049 (VCV002577049.1), dbSNP rs1454105118, ClinGen allele CA602174777.
Genomic context (GRCh38, chr11:119,297,376, plus strand): 5'-ATCTTCATAAGTTTATAGATAACAGTTCTATTTCCAAAGATCATTATGGCACTTTCCTTC[T>C]GGTTCAGAGCATGTGATTGCGACCAGCAGATTGATAGCTGTACGTATGAAGCAATGTATA-3'